The following is an entry in ClinVar:

ClinVar aggregate classification (germline): Uncertain significance (1 of 4 stars; one submission).

Submission:

Labcorp Genetics (formerly Invitae), Labcorp
Classification: Uncertain significance. Last evaluated: 2022-10-17. Review status: criteria provided, single submitter. Criteria: Invitae Variant Classification Sherloc (09022015). Collection method: clinical testing. Allele origin: germline.
Comment: This variant is not present in population databases (gnomAD no frequency). In summary, the available evidence is currently insufficient to determine the role of this variant in disease. Therefore, it has been classified as a Variant of Uncertain Significance. Advanced modeling of protein sequence and biophysical properties (such as structural, functional, and spatial information, amino acid conservation, physicochemical variation, residue mobility, and thermodynamic stability) performed at Invitae indicates that this missense variant is not expected to disrupt CHM protein function. ClinVar contains an entry for this variant (Variation ID: 1038457). This variant has not been reported in the literature in individuals affected with CHM-related conditions. This sequence change replaces threonine, which is neutral and polar, with asparagine, which is neutral and polar, at codon 532 of the CHM protein (p.Thr532Asn).

NM_000390.4(CHM):c.1595C>A (p.Thr532Asn)

Gene: CHM (CHM Rab escort protein; minus strand). Cytogenetic location: Xq21.2.
Variant type: single nucleotide variant.
Coding change: c.1595C>A on transcript NM_000390.4 (MANE Select); coding-DNA position 1595, C replaced by A.
Protein change: p.Thr532Asn; replaces threonine 532 with asparagine.
Molecular consequence: missense variant.
Genome position (GRCh38, 1-based): chrX:85,878,979, G>T on the plus strand (C>A on the coding strand, the complement: CHM is on the minus strand). VCF-style: chrX-85878979-G-T. GRCh37 (hg19) VCF-style: chrX-85133984-G-T.
Other names: c.1151C>A, p.Thr384Asn (NM_001320959.1, NM_001362517.1, NM_001362518.2 and 1 more transcripts); short protein forms T384N, T532N.
Identifiers: ClinVar variation 1038457 (VCV001038457.6), dbSNP rs1924589059, ClinGen allele CA413787509.